The following is an entry in ClinVar:

NM_199420.4(POLQ):c.827C>T (p.Ser276Phe)

Gene: POLQ (DNA polymerase theta; minus strand). Cytogenetic location: 3q13.33.
Variant type: single nucleotide variant.
Coding change: c.827C>T on transcript NM_199420.4 (MANE Select); coding-DNA position 827, C replaced by T.
Protein change: p.Ser276Phe; replaces serine 276 with phenylalanine.
Molecular consequence: missense variant.
Genome position (GRCh38, 1-based): chr3:121,533,123, G>A on the plus strand (C>T on the coding strand, the complement: POLQ is on the minus strand). VCF-style: chr3-121533123-G-A. GRCh37 (hg19) VCF-style: chr3-121251970-G-A.
Other names: short protein forms S276F.
Identifiers: ClinVar variation 1762719 (VCV001762719.2), dbSNP rs79332480, ClinGen allele CA2563712.

ClinVar aggregate classification (germline): Uncertain significance (1 of 4 stars; one submission).

Allele frequency attached by ClinVar (database versions not stated): TOPMed below 0.00001; ExAC 0.00001.

Submission:

Ambry Genetics
Classification: Uncertain significance. Last evaluated: 2022-03-29. Review status: criteria provided, single submitter. Criteria: Ambry Variant Classification Scheme 2023. Collection method: clinical testing. Allele origin: germline.
Comment: The p.S276F variant (also known as c.827C>T), located in coding exon 6 of the POLQ gene, results from a C to T substitution at nucleotide position 827. The serine at codon 276 is replaced by phenylalanine, an amino acid with highly dissimilar properties. This amino acid position is conserved. In addition, this alteration is predicted to be tolerated by in silico analysis. Since supporting evidence is limited at this time, the clinical significance of this alteration remains unclear.